The following is an entry in ClinVar:

NM_001130987.2(DYSF):c.5718C>A (p.Phe1906Leu)

Gene: DYSF (dysferlin; plus strand). Cytogenetic location: 2p13.2.
Variant type: single nucleotide variant.
Coding change: c.5718C>A on transcript NM_001130987.2 (MANE Select); coding-DNA position 5718, C replaced by A.
Protein change: p.Phe1906Leu; replaces phenylalanine 1906 with leucine.
Molecular consequence: missense variant.
Genome position (GRCh38, 1-based): chr2:71,669,680, C>A. VCF-style: chr2-71669680-C-A. GRCh37 (hg19) VCF-style: chr2-71896810-C-A.
Other names: c.5604C>A, p.Phe1868Leu (NM_001130455.2); c.5559C>A, p.Phe1853Leu (NM_001130976.2); c.5622C>A, p.Phe1874Leu (NM_001130977.2); c.5664C>A, p.Phe1888Leu (NM_001130978.2); c.5694C>A, p.Phe1898Leu (NM_001130979.2); c.5652C>A, p.Phe1884Leu (NM_001130980.2); c.5715C>A, p.Phe1905Leu (NM_001130981.2); c.5697C>A, p.Phe1899Leu (NM_001130982.2); and 5 more; short protein forms F1868L, F1874L, F1888L, F1889L, F1905L, F1854L, F1885L, F1899L.
Identifiers: ClinVar variation 1350242 (VCV001350242.6), dbSNP rs1233961202, ClinGen allele CA347223818.

ClinVar aggregate classification (germline): Pathogenic (1 of 4 stars; one submission).

Conditions:
Neuromuscular disease caused by qualitative or quantitative defects of dysferlin. Also called: Qualitative or quantitative defects of dysferlin; Dysferlinopathy. Identifiers: Orphanet 207073, MedGen C2931687, MONDO:0016145.

Submission:

Labcorp Genetics (formerly Invitae), Labcorp
Classification: Pathogenic for Neuromuscular disease caused by qualitative or quantitative defects of dysferlin. Last evaluated: 2021-08-21. Review status: criteria provided, single submitter. Criteria: Invitae Variant Classification Sherloc (09022015). Collection method: clinical testing. Allele origin: germline.
Comment: For these reasons, this variant has been classified as Pathogenic. Advanced modeling of protein sequence and biophysical properties (such as structural, functional, and spatial information, amino acid conservation, physicochemical variation, residue mobility, and thermodynamic stability) performed at Invitae indicates that this missense variant is expected to disrupt DYSF protein function. This missense change has been observed in individual(s) with limb-girdle muscular dystrophy and/or Miyoshi myopathy (PMID: 21392994; Invitae). In at least one individual the data is consistent with the variant being in trans (on the opposite chromosome) from a pathogenic variant. This variant is not present in population databases (ExAC no frequency). This sequence change replaces phenylalanine with leucine at codon 1867 of the DYSF protein (p.Phe1867Leu). The phenylalanine residue is highly conserved and there is a small physicochemical difference between phenylalanine and leucine.

Literature cited by the submitters: PubMed 21392994.